The following is an entry in ClinVar:

ClinVar aggregate classification (germline): Pathogenic (1 of 4 stars; one submission).

Conditions:
DICER1-related tumor predisposition. Also called: DICER1-related pleuropulmonary blastoma cancer predisposition syndrome; DICER1 syndrome. Identifiers: Orphanet 284343, MedGen C3839822, MONDO:0100216.

Submission:

Labcorp Genetics (formerly Invitae), Labcorp
Classification: Pathogenic for DICER1-related tumor predisposition. Last evaluated: 2026-01-31. Review status: criteria provided, single submitter. Criteria: Invitae Variant Classification Sherloc (09022015). Collection method: clinical testing. Allele origin: germline.
Comment: This sequence change creates a premature translational stop signal (p.Trp1481*) in the DICER1 gene. It is expected to result in an absent or disrupted protein product. Loss-of-function variants in DICER1 are known to be pathogenic (PMID: 19556464, 21266384). This variant is not present in population databases (gnomAD no frequency). This premature translational stop signal has been observed in individual(s) with DICER1-related conditions (PMID: 28960912, 29633305). ClinVar contains an entry for this variant (Variation ID: 3660152). For these reasons, this variant has been classified as Pathogenic.

Literature cited by the submitters: PubMed 19556464; PubMed 21266384; PubMed 28960912; PubMed 29633305.

NM_177438.3(DICER1):c.4443G>A (p.Trp1481Ter)

Gene: DICER1 (dicer 1, ribonuclease III; minus strand). Cytogenetic location: 14q32.13.
Variant type: single nucleotide variant.
Coding change: c.4443G>A on transcript NM_177438.3 (MANE Select); coding-DNA position 4443, G replaced by A.
Protein change: p.Trp1481Ter; replaces tryptophan 1481 with a stop codon.
Molecular consequence: nonsense. On other transcripts: non-coding transcript variant (6).
Genome position (GRCh38, 1-based): chr14:95,096,477, C>T on the plus strand (G>A on the coding strand, the complement: DICER1 is on the minus strand). VCF-style: chr14-95096477-C-T. GRCh37 (hg19) VCF-style: chr14-95562814-C-T.
Other names: c.4443G>A, p.Trp1481Ter (NM_001195573.1, NM_001271282.3, NM_001291628.2 and 12 more transcripts); c.4161G>A, p.Trp1387Ter (NM_001395686.1); c.4038G>A, p.Trp1346Ter (NM_001395687.1, NM_001395688.1, NM_001395689.1 and 2 more transcripts); c.3876G>A, p.Trp1292Ter (NM_001395691.1); c.2760G>A, p.Trp920Ter (NM_001395697.1); short protein forms W1346*, W1387*, W1292*, W1481*, W920*.
Identifiers: ClinVar variation 3660152 (VCV003660152.2).